The following is an entry in ClinVar:

ClinVar aggregate classification (germline): Likely benign. Review status: criteria provided, multiple submitters, no conflicts (2 of 4 stars). 2 submissions from 2 submitters: Likely benign (2). Last evaluated 2025-11-06.

Conditions:
CREBBP-related disorder. Also called: CREBBP-related condition; CREBBP-related disorders.
Inborn genetic diseases. Identifiers: MedGen C0950123, MeSH D030342.

Allele frequency attached by ClinVar (database versions not stated): gnomAD exomes below 0.00001; gnomAD 0.00001; TOPMed 0.00001.
gnomAD v4.1: 2 of 1,614,042 alleles (0.00012%); highest among the groups gnomAD compares: Non-Finnish European, 0.00017%; no homozygotes.

Submissions (2):

PreventionGenetics, part of Exact Sciences
Classification: Likely benign for CREBBP-related condition. Last evaluated: 2025-11-06. Review status: criteria provided, single submitter. Criteria: ACMG Guidelines, 2015. Collection method: clinical testing. Allele origin: germline.
Comment: This variant is classified as likely benign based on ACMG/AMP sequence variant interpretation guidelines (Richards et al. 2015 PMID: 25741868, with internal and published modifications).

Ambry Genetics
Classification: Likely benign for Inborn genetic diseases. Last evaluated: 2017-12-28. Review status: criteria provided, single submitter. Criteria: Ambry Variant Classification Scheme 2023. Collection method: clinical testing. Allele origin: germline.

NM_004380.3(CREBBP):c.144A>G (p.Gly48=)

Gene: CREBBP (CREB binding lysine acetyltransferase; minus strand). Cytogenetic location: 16p13.3.
Variant type: single nucleotide variant.
Coding change: c.144A>G on transcript NM_004380.3 (MANE Select); coding-DNA position 144, A replaced by G.
Protein change: p.Gly48=; no amino-acid change (glycine 48 retained).
Molecular consequence: synonymous variant.
Genome position (GRCh38, 1-based): chr16:3,850,951, T>C on the plus strand (A>G on the coding strand, the complement: CREBBP is on the minus strand). VCF-style: chr16-3850951-T-C. GRCh37 (hg19) VCF-style: chr16-3900952-T-C.
Other names: c.144A>G, p.Gly48= (NM_001079846.1).
Identifiers: ClinVar variation 1772881 (VCV001772881.3), dbSNP rs2054822083, ClinGen allele CA493395543.
Genomic context (GRCh38, chr16:3,850,951, plus strand): 5'-TTTATGTTTGGAAGCAGCATCTGGAACAAGGTTCCCACTGTTTAAAAGGCCTAATTCTCC[T>C]CCATTGGGTATCAGCTCATCAGGAAGATCATTTTCCAAGTCAAACAATGATCCAAAATCT-3'
Protein context (NP_004371.2, residues 38-58): NDLPDELIPN[Gly48=]GELGLLNSGN